The following is an entry in ClinVar:

NM_033400.3(ZFHX2):c.5565C>G (p.Pro1855=)

Genes: THTPA (thiamine triphosphatase; plus strand), ZFHX2 (zinc finger homeobox 2; minus strand). Cytogenetic location: 14q11.2.
Variant type: single nucleotide variant.
Coding change: c.5565C>G on transcript NM_033400.3 (MANE Select); coding-DNA position 5565, C replaced by G.
Protein change: p.Pro1855=; no amino-acid change (proline 1855 retained).
Molecular consequence: synonymous variant.
Genome position (GRCh38, 1-based): chr14:23,524,377, G>C on the plus strand (C>G on the coding strand, the complement: ZFHX2 is on the minus strand). VCF-style: chr14-23524377-G-C. GRCh37 (hg19) VCF-style: chr14-23993586-G-C.
Identifiers: ClinVar variation 3052676 (VCV003052676.2), dbSNP rs564503151, ClinGen allele CA7116880.

ClinVar aggregate classification (germline): Likely benign (0 of 4 stars; one submission).

Conditions:
ZFHX2-related disorder. Also called: ZFHX2-related condition.

Allele frequency attached by ClinVar (database versions not stated): gnomAD 0.00151; 1000 Genomes Project 0.00180; 1000 Genomes Project 30x 0.00203.
gnomAD v4.1: 419 of 1,536,196 alleles (0.027%); highest among the groups gnomAD compares: African/African-American, 0.55%; 1 homozygote.

Submission:

PreventionGenetics, part of Exact Sciences
Classification: Likely benign for ZFHX2-related condition. Last evaluated: 2019-04-02. Review status: no assertion criteria provided. Collection method: clinical testing. Allele origin: germline.
Comment: This variant is classified as likely benign based on ACMG/AMP sequence variant interpretation guidelines (Richards et al. 2015 PMID: 25741868, with internal and published modifications).